The following is an entry in ClinVar:

NM_004946.3(DOCK2):c.1348_1349del (p.Met450fs)

Gene: DOCK2 (dedicator of cytokinesis 2; plus strand). Cytogenetic location: 5q35.1.
Variant type: Deletion.
Coding change: c.1348_1349del on transcript NM_004946.3 (MANE Select); coding-DNA positions 1348 to 1349, 2 bases deleted (AT; older notation c.1348_1349delAT).
Protein change: p.Met450fs; shifts the reading frame from methionine 450.
Molecular consequence: frameshift variant. On other transcripts: non-coding transcript variant (1).
Genome position (GRCh38, 1-based): chr5:169,702,392-169,702,393, AT deleted. VCF-style (leftmost placement, unchanged base first): chr5-169702391-CAT-C. GRCh37 (hg19) VCF-style: chr5-169129395-CAT-C.
Other names: short protein forms M450fs.
Identifiers: ClinVar variation 1070423 (VCV001070423.7), dbSNP rs1761023588, ClinGen allele CA1600039449.

ClinVar aggregate classification (germline): Pathogenic (1 of 4 stars; one submission).

Conditions:
DOCK2 deficiency. Also called: Immunodeficiency 40. Identifiers: Orphanet 447737, MedGen C4225328, MONDO:0014637, OMIM 616433.

Allele frequency attached by ClinVar (database versions not stated): gnomAD exomes below 0.00001.

Submission:

Labcorp Genetics (formerly Invitae), Labcorp
Classification: Pathogenic for DOCK2 deficiency. Last evaluated: 2022-10-18. Review status: criteria provided, single submitter. Criteria: Invitae Variant Classification Sherloc (09022015). Collection method: clinical testing. Allele origin: germline.
Comment: This sequence change creates a premature translational stop signal (p.Met450Valfs*12) in the DOCK2 gene. It is expected to result in an absent or disrupted protein product. Loss-of-function variants in DOCK2 are known to be pathogenic (PMID: 26083206). This variant is not present in population databases (gnomAD no frequency). This variant has not been reported in the literature in individuals affected with DOCK2-related conditions. ClinVar contains an entry for this variant (Variation ID: 1070423). For these reasons, this variant has been classified as Pathogenic.

Literature cited by the submitters: PubMed 26083206.